The following is an entry in ClinVar:

NM_201596.3(CACNB2):c.1660A>C (p.Thr554Pro)

Gene: CACNB2 (calcium voltage-gated channel auxiliary subunit beta 2; plus strand). Cytogenetic location: 10p12.31.
Variant type: single nucleotide variant.
Coding change: c.1660A>C on transcript NM_201596.3 (MANE Select); coding-DNA position 1660, A replaced by C.
Protein change: p.Thr554Pro; replaces threonine 554 with proline.
Molecular consequence: missense variant.
Genome position (GRCh38, 1-based): chr10:18,539,401, A>C. VCF-style: chr10-18539401-A-C. GRCh37 (hg19) VCF-style: chr10-18828330-A-C.
Other names: c.1495A>C, p.Thr499Pro (NM_000724.4); c.1462A>C, p.Thr488Pro (NM_001167945.2); c.1381A>C, p.Thr461Pro (NM_001330060.2); c.1402A>C, p.Thr468Pro (NM_001410882.1); c.1516A>C, p.Thr506Pro (NM_201570.3); c.1576A>C, p.Thr526Pro (NM_201571.4); c.1504A>C, p.Thr502Pro (NM_201572.4); c.1498A>C, p.Thr500Pro (NM_201590.3); and 2 more; short protein forms T461P, T499P, T500P, T526P, T488P, T516P, T530P, T554P.
Identifiers: ClinVar variation 4613791 (VCV004613791.1).

ClinVar aggregate classification (germline): Uncertain significance (1 of 4 stars; one submission).

Conditions:
Cardiovascular phenotype. Identifiers: MedGen CN230736.

Submission:

Ambry Genetics
Classification: Uncertain significance for Cardiovascular phenotype. Last evaluated: 2025-12-11. Review status: criteria provided, single submitter. Criteria: Ambry Variant Classification Scheme 2023. Collection method: clinical testing. Allele origin: germline.
Comment: The p.T500P variant (also known as c.1498A>C), located in coding exon 13 of the CACNB2 gene, results from an A to C substitution at nucleotide position 1498. The threonine at codon 500 is replaced by proline, an amino acid with highly similar properties. This amino acid position is conserved. In addition, the in silico prediction for this alteration is inconclusive. Based on the available evidence, the clinical significance of this variant remains unclear.